The following is an entry in ClinVar:

NM_004415.4(DSP):c.2436+1G>A

Gene: DSP (desmoplakin; plus strand). Cytogenetic location: 6p24.3.
Variant type: single nucleotide variant.
Coding change: c.2436+1G>A on transcript NM_004415.4 (MANE Select); the canonical splice donor site of the intron after coding-DNA position 2436, G replaced by A.
Molecular consequence: splice donor variant.
Genome position (GRCh38, 1-based): chr6:7,574,796, G>A. VCF-style: chr6-7574796-G-A. GRCh37 (hg19) VCF-style: chr6-7575029-G-A.
Other names: c.2436+1G>A (NM_001319034.2, NM_001008844.3).
Identifiers: ClinVar variation 1478082 (VCV001478082.6), dbSNP rs2113684305, ClinGen allele CA362681320.
Genomic context (GRCh38, chr6:7,574,796, plus strand): 5'-GAGGAGGAAACTGTCTGCCTGGACCTGGATAAAGTGGAAGCTTACCGCTGTGGACTGAAG[G>A]TAACTTGAAAGCTTATAACAGTGGCCCAACTTACAGGAACTAATTCAGATCTGAGCTCCC-3'

ClinVar aggregate classification (germline): Likely pathogenic (1 of 4 stars; one submission).

Conditions:
Arrhythmogenic cardiomyopathy with wooly hair and keratoderma. Also called: Arrhythmogenic cardiomyopathy with woolly hair and keratoderma; PALMOPLANTAR KERATODERMA WITH LEFT VENTRICULAR CARDIOMYOPATHY AND WOOLLY HAIR; Dilated cardiomyopathy with woolly hair and keratoderma; Carvajal syndrome. Identifiers: Orphanet 65282, MedGen C1854063, MONDO:0011581, OMIM 605676.
Arrhythmogenic right ventricular dysplasia 8 (ARVD8). Also called: Arrhythmogenic Right Ventricular Dysplasia/Cardiomyopathy 8; ARRHYTHMOGENIC RIGHT VENTRICULAR DYSPLASIA, FAMILIAL, 8; ARRHYTHMOGENIC RIGHT VENTRICULAR CARDIOMYOPATHY 8. Identifiers: MedGen C1843896, MONDO:0011831, OMIM 607450.

Submission:

Labcorp Genetics (formerly Invitae), Labcorp
Classification: Likely pathogenic for Arrhythmogenic cardiomyopathy with wooly hair and keratoderma; Arrhythmogenic right ventricular dysplasia 8. Last evaluated: 2024-06-19. Review status: criteria provided, single submitter. Criteria: Invitae Variant Classification Sherloc (09022015). Collection method: clinical testing. Allele origin: germline.
Comment: This sequence change affects a donor splice site in intron 17 of the DSP gene. It is expected to disrupt RNA splicing. Variants that disrupt the donor or acceptor splice site typically lead to a loss of protein function (PMID: 16199547), and loss-of-function variants in DSP are known to be pathogenic (PMID: 20716751, 24503780, 25227139). This variant is not present in population databases (gnomAD no frequency). This variant has not been reported in the literature in individuals affected with DSP-related conditions. ClinVar contains an entry for this variant (Variation ID: 1478082). Algorithms developed to predict the effect of sequence changes on RNA splicing suggest that this variant may disrupt the consensus splice site. In summary, the currently available evidence indicates that the variant is pathogenic, but additional data are needed to prove that conclusively. Therefore, this variant has been classified as Likely Pathogenic.

Literature cited by the submitters: PubMed 16199547; PubMed 20716751; PubMed 24503780; PubMed 25227139.